The following is an entry in ClinVar:

NM_003238.6(TGFB2):c.346+16375G>A

Gene: TGFB2 (transforming growth factor beta 2; plus strand). Cytogenetic location: 1q41.
Variant type: single nucleotide variant.
Coding change: c.346+16375G>A on transcript NM_003238.6 (MANE Select); 16375 bases into the intron after coding-DNA position 346, G replaced by A.
Molecular consequence: intron variant.
Genome position (GRCh38, 1-based): chr1:218,363,422, G>A. VCF-style: chr1-218363422-G-A. GRCh37 (hg19) VCF-style: chr1-218536764-G-A.
Other names: c.430+5G>A (NM_001135599.4).
Identifiers: ClinVar variation 2506291 (VCV002506291.2), dbSNP rs2464607622, ClinGen allele CA2580611551.
Genomic context (GRCh38, chr1:218,363,422, plus strand): 5'-TGGCTCAGTGGGCAGCTTGTGCTCCAGACAGTCCCAGGTGCTCTGTGGGTACCTTGGTGA[G>A]TACACTTGTCTGCTTTATTCCTCGTTTGACATAGTTATATCAAATCCATCTTTAGTGTTT-3'

ClinVar aggregate classification (germline): Uncertain significance. Review status: criteria provided, multiple submitters, no conflicts (2 of 4 stars). 2 submissions from 2 submitters: Uncertain significance (2). Last evaluated 2024-04-26.

gnomAD v4.1: 1 of 1,612,612 alleles (0.000062%); highest among the groups gnomAD compares: Non-Finnish European, 0.000085%; no homozygotes.

Submissions (2):

Blueprint Genetics
Classification: Uncertain significance. Last evaluated: 2024-04-26. Review status: criteria provided, single submitter. Criteria: ACMG Guidelines, 2015. Collection method: clinical testing. Allele origin: germline.

Women's Health and Genetics/Laboratory Corporation of America, LabCorp
Classification: Uncertain significance. Last evaluated: 2023-05-04. Review status: criteria provided, single submitter. Criteria: LabCorp Variant Classification Summary - May 2015. Collection method: clinical testing. Allele origin: germline.
Comment: Variant summary: TGFB2 c.346+16375G>A is located at a position not widely known to affect splicing. 4/4 computational tools predict no significant impact on normal splicing. However, these predictions have yet to be confirmed by functional studies. The variant was absent in 248664 control chromosomes. The available data on variant occurrences in the general population are insufficient to allow any conclusion about variant significance. In other transcripts (NM_001135599) the variant results in c.430+5G>A, however there is not enough evidence at this time to allow any conclusions for this transcript. To our knowledge, no occurrence of c.346+16375G>A in individuals affected with Loeys-Dietz Syndrome and no experimental evidence demonstrating its impact on protein function have been reported. No clinical diagnostic laboratories have submitted clinical-significance assessments for this variant to ClinVar after 2014. Based on the evidence outlined above, the variant was classified as uncertain significance.